The following is an entry in ClinVar:

NM_020944.3(GBA2):c.2244dup (p.Val749fs)

Gene: GBA2 (glucosylceramidase beta 2; minus strand). Cytogenetic location: 9p13.3.
Variant type: Duplication.
Coding change: c.2244dup on transcript NM_020944.3 (MANE Select); coding-DNA position 2244, one base duplicated (T; older notation c.2244dupT).
Protein change: p.Val749fs; shifts the reading frame from valine 749.
Molecular consequence: frameshift variant.
Genome position (GRCh38, 1-based): chr9:35,738,106, A duplicated on the plus strand (T on the coding strand, the reverse complement: GBA2 is on the minus strand). VCF-style (leftmost placement, unchanged base first): chr9-35738105-C-CA. GRCh37 (hg19) VCF-style: chr9-35738102-C-CA.
Other names: c.2244dup, p.Val749fs (NM_001330660.2); short protein forms V749fs.
Identifiers: ClinVar variation 5007446 (VCV005007446.2).

ClinVar aggregate classification (germline): Likely pathogenic (1 of 4 stars; one submission).

Conditions:
Hereditary spastic paraplegia 46. Also called: Spastic paraplegia 46, autosomal recessive. Identifiers: Orphanet 320391, MedGen C2828721, MONDO:0013737, OMIM 614409.

Submission:

Juno Genomics, Hangzhou Juno Genomics, Inc
Classification: Likely pathogenic for Hereditary spastic paraplegia 46. Review status: criteria provided, single submitter. Criteria: ACMG Guidelines, 2015. Collection method: clinical testing. Allele origin: germline.
Comment: Null variant in a gene where loss of function (LOF) is a known mechanism of disease.;Absent from controls (or at extremely low frequency if recessive) in Genome Aggregation Database.